The following is an entry in ClinVar:

ClinVar aggregate classification (germline): Conflicting classifications of pathogenicity. Review status: criteria provided, conflicting classifications (1 of 4 stars). 3 submissions from 3 submitters: Uncertain significance (2); Benign (1). Last evaluated 2025-02-04.

Conditions:
Hereditary cancer-predisposing syndrome. Also called: Tumor predisposition; Hereditary Cancer Syndrome; Hereditary neoplastic syndrome; Neoplastic Syndromes, Hereditary. Identifiers: Orphanet 140162, MedGen C0027672, MeSH D009386, MONDO:0015356.
Lynch syndrome 4 (LYNCH4). Also called: Colorectal cancer, hereditary nonpolyposis, type 4; Hereditary non-polyposis colorectal cancer, type 4. Identifiers: Orphanet 144, MedGen C1838333, MONDO:0013699, OMIM 614337. Disease mechanism: loss of function.

Allele frequency attached by ClinVar (database versions not stated): gnomAD 0.00001.

Submissions (3):

Myriad Genetics, Inc.
Classification: Benign for Lynch syndrome 4. Last evaluated: 2025-02-04. Review status: criteria provided, single submitter. Criteria: Myriad Autosomal Dominant, Autosomal Recessive and X-Linked Classification Criteria (2023). Collection method: clinical testing. Allele origin: unknown.
Comment: This variant is considered benign. This variant occurs in the non-coding 3' untranslated region of the gene, and is not expected to impact protein function.

Quest Diagnostics Nichols Institute San Juan Capistrano
Classification: Uncertain significance. Last evaluated: 2022-12-19. Review status: criteria provided, single submitter. Criteria: Quest Diagnostics criteria. Collection method: clinical testing. Allele origin: unknown.
Comment: To the best of our knowledge, the variant has not been reported in the published literature. The frequency of this variant in the general population, 0.00056 (9/16132 chromosomes in East Asian subpopulation), is higher than would generally be expected for pathogenic variants in this gene. Based on the available information, we are unable to determine the clinical significance of this variant.

Ambry Genetics
Classification: Uncertain significance for Hereditary cancer-predisposing syndrome. Last evaluated: 2017-06-06. Review status: criteria provided, single submitter. Criteria: Ambry Variant Classification Scheme 2023. Collection method: clinical testing. Allele origin: germline.
Comment: The c.*3G>T variant is located in the 3' untranslated region (3&rsquo; UTR) of the PMS2 gene. This variant results from a G to T substitution 3 nucleotides downstream of the last translated codon. This nucleotide position is poorly conserved in available vertebrate species. Since supporting evidence is limited at this time, the clinical significance of this alteration remains unclear.

NM_000535.7(PMS2):c.*3G>T

Gene: PMS2 (PMS1 homolog 2, mismatch repair system component; minus strand). Cytogenetic location: 7p22.1.
Variant type: single nucleotide variant.
Coding change: c.*3G>T on transcript NM_000535.7 (MANE Select); 3 bases downstream of the stop codon, G replaced by T.
Molecular consequence: 3 prime UTR variant. On other transcripts: non-coding transcript variant (1).
Genome position (GRCh38, 1-based): chr7:5,973,396, C>A on the plus strand (G>T on the coding strand, the complement: PMS2 is on the minus strand). VCF-style: chr7-5973396-C-A. GRCh37 (hg19) VCF-style: chr7-6013027-C-A.
Other names: c.*3G>T (NM_000535.6, NM_001322003.2, NM_001322004.2 and 11 more transcripts).
Identifiers: ClinVar variation 486046 (VCV000486046.7), dbSNP rs776493195, ClinGen allele CA049728.